The following is an entry in ClinVar:

ClinVar aggregate classification (germline): Uncertain significance (1 of 4 stars; one submission).

Conditions:
Dyskeratosis congenita, autosomal dominant 2. Identifiers: MedGen C3151443, MONDO:0013521, OMIM 613989.
Idiopathic Pulmonary Fibrosis. Also called: Idiopathic fibrosing alveolitis, chronic form; idiopathic fibrosing alveolitis. Identifiers: Orphanet 2032, MedGen C1800706, MeSH D054990, MONDO:0800504.

Allele frequency attached by ClinVar (database versions not stated): gnomAD exomes below 0.00001.
gnomAD v4.1: 1 of 1,611,364 alleles (0.000062%); highest among the groups gnomAD compares: Non-Finnish European, 0.000085%; no homozygotes.

Submission:

Labcorp Genetics (formerly Invitae), Labcorp
Classification: Uncertain significance for Dyskeratosis congenita, autosomal dominant 2; Idiopathic Pulmonary Fibrosis. Last evaluated: 2025-09-28. Review status: criteria provided, single submitter. Criteria: Invitae Variant Classification Sherloc (09022015). Collection method: clinical testing. Allele origin: germline.
Comment: This sequence change replaces glycine, which is neutral and non-polar, with glutamic acid, which is acidic and polar, at codon 1053 of the TERT protein (p.Gly1053Glu). This variant is not present in population databases (gnomAD no frequency). This missense change has been observed in individual(s) with clinical features of telomere biology disorder (PMID: 37665761). ClinVar contains an entry for this variant (Variation ID: 2946203). Invitae Evidence Modeling of protein sequence and biophysical properties (such as structural, functional, and spatial information, amino acid conservation, physicochemical variation, residue mobility, and thermodynamic stability) indicates that this missense variant is expected to disrupt TERT protein function with a positive predictive value of 95%. In summary, the available evidence is currently insufficient to determine the role of this variant in disease. Therefore, it has been classified as a Variant of Uncertain Significance.

Literature cited by the submitters: PubMed 37665761.

NM_198253.3(TERT):c.3158G>A (p.Gly1053Glu)

Gene: TERT (telomerase reverse transcriptase; minus strand). Cytogenetic location: 5p15.33.
Variant type: single nucleotide variant.
Coding change: c.3158G>A on transcript NM_198253.3 (MANE Select); coding-DNA position 3158, G replaced by A.
Protein change: p.Gly1053Glu; replaces glycine 1053 with glutamic acid.
Molecular consequence: missense variant. On other transcripts: non-coding transcript variant (2).
Genome position (GRCh38, 1-based): chr5:1,254,505, C>T on the plus strand (G>A on the coding strand, the complement: TERT is on the minus strand). VCF-style: chr5-1254505-C-T. GRCh37 (hg19) VCF-style: chr5-1254620-C-T.
Other names: c.2969G>A, p.Gly990Glu (NM_001193376.3); c.3158G>A, p.Gly1053Glu (NM_003219.1); short protein forms G990E, G1053E.
Identifiers: ClinVar variation 2946203 (VCV002946203.3), dbSNP rs2478074774, ClinGen allele CA359067619.